The following is an entry in ClinVar:

NM_000540.3(RYR1):c.4761C>A (p.Ala1587=)

Gene: RYR1 (ryanodine receptor 1; plus strand). Cytogenetic location: 19q13.2.
Variant type: single nucleotide variant.
Coding change: c.4761C>A on transcript NM_000540.3 (MANE Select); coding-DNA position 4761, C replaced by A.
Protein change: p.Ala1587=; no amino-acid change (alanine 1587 retained).
Molecular consequence: synonymous variant.
Genome position (GRCh38, 1-based): chr19:38,483,343, C>A. VCF-style: chr19-38483343-C-A. GRCh37 (hg19) VCF-style: chr19-38973983-C-A.
Other names: c.4761C>A, p.Ala1587= (NM_001042723.2).
Identifiers: ClinVar variation 2901263 (VCV002901263.5), dbSNP rs1387909457, ClinGen allele CA507353124.

ClinVar aggregate classification (germline): Likely benign. Review status: criteria provided, multiple submitters, no conflicts (2 of 4 stars). 3 submissions from 3 submitters: Likely benign (3). Last evaluated 2024-05-30.

Conditions:
RYR1-related disorder. Also called: RYR1-related condition; RYR1-related disorders. Identifiers: MedGen CN239331.
Malignant hyperthermia, susceptibility to, 1 (MHS1). Also called: Malignant hyperthermia suceptibility 1; Anesthesia related hyperthermia; Malignant hyperpyrexia; Fulminating hyperpyrexia; Pharmacogenic myopathy; RYR1-Related Malignant Hyperthermia Susceptibility. Identifiers: Orphanet 423, MedGen C2930980, MONDO:0007783, OMIM 145600.

Submissions (3):

All of Us Research Program, National Institutes of Health
Classification: Likely benign for Malignant hyperthermia, susceptibility to, 1. Last evaluated: 2024-05-30. Review status: criteria provided, single submitter. Criteria: ACMG Guidelines, 2015. Collection method: clinical testing. Allele origin: germline. Inheritance: Autosomal dominant inheritance. Observed: 1 variant allele, 1 heterozygote.
Comment: This study involves interpretation of variants in research participants for the purpose of population health screening. Participant phenotype was not available at the time of variant classification. Additional details can be found in publication PMID: 35346344, PMCID: PMC8962531

Color Diagnostics, LLC DBA Color Health
Classification: Likely benign for Malignant hyperthermia, susceptibility to, 1. Last evaluated: 2024-05-21. Review status: criteria provided, single submitter. Criteria: ACMG Guidelines, 2015. Collection method: clinical testing. Allele origin: germline.

Labcorp Genetics (formerly Invitae), Labcorp
Classification: Likely benign for RYR1-related disorder. Last evaluated: 2023-09-24. Review status: criteria provided, single submitter. Criteria: Invitae Variant Classification Sherloc (09022015). Collection method: clinical testing. Allele origin: germline.